The following is an entry in ClinVar:

ClinVar aggregate classification (germline): Likely pathogenic (1 of 4 stars; one submission).

Conditions:
Familial cancer of breast. Also called: Hereditary breast cancer; BREAST CANCER, FAMILIAL; hereditary breast carcinoma. Identifiers: Orphanet 227535, MedGen C0346153, MONDO:0016419, OMIM 114480. Disease mechanism: loss of function.

Submission:

Myriad Genetics, Inc.
Classification: Likely pathogenic for Familial cancer of breast. Last evaluated: 2023-06-22. Review status: criteria provided, single submitter. Criteria: Myriad Autosomal Dominant, Autosomal Recessive and X-Linked Classification Criteria (2023). Collection method: clinical testing. Allele origin: unknown.
Comment: This variant is considered likely pathogenic. This variant is located within the gene translation start codon (p.Met1?) and is predicted to result in abnormal protein translation.

NM_007194.4(CHEK2):c.-6-45_36del

Gene: CHEK2 (checkpoint kinase 2; minus strand). Cytogenetic location: 22q12.1.
Variant type: Deletion.
Coding change: c.-6-45_36del on transcript NM_007194.4 (MANE Select); 45 bases into the intron before 6 bases upstream of the start codon through coding-DNA position 36, 87 bases deleted.
Molecular consequence: splice acceptor variant, initiator codon variant. On other transcripts: intron variant (1).
Genome position (GRCh38, 1-based): chr22:28,734,686-28,734,772, 87 bases deleted. GRCh37 (hg19): chr22:29,130,679-29,130,765.
Other names: c.-345+6997_-345+7083del (NM_001437942.1); c.-6-45_36del (NM_001349956.3, NM_145862.3, NM_001438295.1 and 3 more transcripts); c.-783-45_-742del (NM_001257387.3).
Identifiers: ClinVar variation 2583649 (VCV002583649.2), dbSNP rs2518135680, ClinGen allele CA2582342782.